The following is an entry in ClinVar:

ClinVar aggregate classification (germline): Uncertain significance (1 of 4 stars; one submission).

Conditions:
RAI1-related disorder. Also called: RAI1-related condition.

Submission:

PreventionGenetics, part of Exact Sciences
Classification: Uncertain significance for RAI1-related condition. Last evaluated: 2025-08-15. Review status: criteria provided, single submitter. Criteria: ACMG Guidelines, 2015. Collection method: clinical testing. Allele origin: germline.
Comment: The RAI1 c.2677C>T variant is predicted to result in the amino acid substitution p.Pro893Ser. To our knowledge, this variant has not been reported in the literature or in a large population database (gnomAD), indicating this variant is rare. At this time, the clinical significance of this variant is uncertain due to the absence of conclusive functional and genetic evidence.

NM_030665.4(RAI1):c.2677C>T (p.Pro893Ser)

Gene: RAI1 (retinoic acid induced 1; plus strand). Cytogenetic location: 17p11.2.
Variant type: single nucleotide variant.
Coding change: c.2677C>T on transcript NM_030665.4 (MANE Select); coding-DNA position 2677, C replaced by T.
Protein change: p.Pro893Ser; replaces proline 893 with serine.
Molecular consequence: missense variant.
Genome position (GRCh38, 1-based): chr17:17,795,625, C>T. VCF-style: chr17-17795625-C-T. GRCh37 (hg19) VCF-style: chr17-17698939-C-T.
Other names: short protein forms P893S.
Identifiers: ClinVar variation 4978687 (VCV004978687.1).